The following is an entry in ClinVar:

ClinVar aggregate classification (germline): Benign/Likely benign. Review status: criteria provided, multiple submitters, no conflicts (2 of 4 stars). 4 submissions from 4 submitters: Benign (1); Likely benign (3). Last evaluated 2025-11-15.

Allele frequency attached by ClinVar (database versions not stated): gnomAD 0.00004 and 0.00007; TOPMed 0.00004; gnomAD exomes 0.00010 and 0.00025; ExAC 0.00056.
gnomAD v4.1: 148 of 1,508,072 alleles (0.0098%); highest among the groups gnomAD compares: South Asian, 0.13%; no homozygotes.

Submissions (4):

Labcorp Genetics (formerly Invitae), Labcorp
Classification: Likely benign. Last evaluated: 2025-11-15. Review status: criteria provided, single submitter. Criteria: Invitae Variant Classification Sherloc (09022015). Collection method: clinical testing. Allele origin: germline.

Blueprint Genetics
Classification: Likely benign. Last evaluated: 2024-10-16. Review status: criteria provided, single submitter. Criteria: ACMG Guidelines, 2015. Collection method: clinical testing. Allele origin: germline.

CeGaT Center for Human Genetics Tuebingen
Classification: Benign. Last evaluated: 2022-10-01. Review status: criteria provided, single submitter. Criteria: CeGaT Center For Human Genetics Tuebingen Variant Classification Criteria Version 2. Collection method: clinical testing. Allele origin: germline. Affected: yes. Observed: 1 variant allele.
Comment: COL2A1: BS1, BS2

GeneDx
Classification: Likely benign. Last evaluated: 2021-06-15. Review status: criteria provided, single submitter. Criteria: GeneDx Variant Classification Process June 2021. Collection method: clinical testing. Allele origin: germline. Affected: yes.

NM_001844.5(COL2A1):c.1420-13T>C

Gene: COL2A1 (collagen type II alpha 1 chain; minus strand). Cytogenetic location: 12q13.11.
Variant type: single nucleotide variant.
Coding change: c.1420-13T>C on transcript NM_001844.5 (MANE Select); 13 bases into the intron before coding-DNA position 1420, T replaced by C.
Molecular consequence: intron variant.
Genome position (GRCh38, 1-based): chr12:47,986,456, A>G on the plus strand (T>C on the coding strand, the complement: COL2A1 is on the minus strand). VCF-style: chr12-47986456-A-G. GRCh37 (hg19) VCF-style: chr12-48380239-A-G.
Other names: c.1213-13T>C (NM_033150.3).
Identifiers: ClinVar variation 1132039 (VCV001132039.35), dbSNP rs781084068, ClinGen allele CA6535476.